The following is an entry in ClinVar:

NM_019888.3(MC3R):c.149T>C (p.Ile50Thr)

Gene: MC3R (melanocortin 3 receptor; plus strand). Cytogenetic location: 20q13.2.
Variant type: single nucleotide variant.
Coding change: c.149T>C on transcript NM_019888.3 (MANE Select); coding-DNA position 149, T replaced by C.
Protein change: p.Ile50Thr; replaces isoleucine 50 with threonine.
Molecular consequence: missense variant.
Genome position (GRCh38, 1-based): chr20:56,248,992, T>C. VCF-style: chr20-56248992-T-C. GRCh37 (hg19) VCF-style: chr20-54824048-T-C.
Other names: short protein forms I50T.
Identifiers: ClinVar variation 2634244 (VCV002634244.5), dbSNP rs370084821, ClinGen allele CA9916938.
Genomic context (GRCh38, chr20:56,248,992, plus strand): 5'-GCAGCAGCGCCTTCTGTGAGCAGGTCTTCATCAAGCCCGAGGTTTTCCTGTCTCTGGGCA[T>C]CGTCAGTCTGCTGGAAAACATCCTGGTTATCCTGGCCGTGGTCAGGAACGGCAACCTGCA-3'
Protein context (NP_063941.3, residues 40-60): IKPEVFLSLG[Ile50Thr]VSLLENILVI

ClinVar aggregate classification (germline): Uncertain significance. Review status: criteria provided, multiple submitters, no conflicts (2 of 4 stars). 2 submissions from 2 submitters: Uncertain significance (2). Last evaluated 2026-03-26.

Conditions:
MC3R-related disorder. Also called: MC3R-related condition.

Allele frequency attached by ClinVar (database versions not stated): ExAC 0.00003; ESP Exome Variant Server 0.00015; TOPMed 0.00015; gnomAD 0.00018; gnomAD exomes 0.00028.

Submissions (2):

PreventionGenetics, part of Exact Sciences
Classification: Uncertain significance for MC3R-related condition. Last evaluated: 2026-03-26. Review status: criteria provided, single submitter. Criteria: ACMG Guidelines, 2015. Collection method: clinical testing. Allele origin: germline.
Comment: The MC3R c.149T>C variant is predicted to result in the amino acid substitution p.Ile50Thr. This variant is alternatively referred to as c.260T>C; p.Ile87Thr in the literature. It has been reported in the heterozygous state in at least three individuals with severe obesity (Table S3, Cooiman et al. 2019. PubMed ID: 31650404; Kleinendorst et al. 2018. PubMed ID: 29970488; Calton et al. 2009. PubMed ID: 19091795). One functional study showed impaired localization, protein misfolding and reduced binding to competitive ligands (Yang et al. 2012. PubMed ID: 22884546), while other functional studies demonstrate functionality more closely resembling wild-type (Table S2, Duckett et al. 2023. PubMed ID: 37339320; Melvin et al. 2020. doi: 10.1210/jendso/bvaa046.2097). This variant is reported in 0.022% of alleles in individuals of European (non-Finnish) descent in gnomAD. At this time, the clinical significance of this variant is uncertain due to the absence of conclusive functional and genetic evidence.

Labcorp Genetics (formerly Invitae), Labcorp
Classification: Uncertain significance. Last evaluated: 2024-02-17. Review status: criteria provided, single submitter. Criteria: Invitae Variant Classification Sherloc (09022015). Collection method: clinical testing. Allele origin: germline.
Comment: This sequence change replaces isoleucine, which is neutral and non-polar, with threonine, which is neutral and polar, at codon 50 of the MC3R protein (p.Ile50Thr). This variant is present in population databases (rs370084821, gnomAD 0.03%). This missense change has been observed in individual(s) with obesity (PMID: 19091795, 29970488). This variant is also known as c.260T>C , p.Ile87Thr . ClinVar contains an entry for this variant (Variation ID: 2634244). An algorithm developed to predict the effect of missense changes on protein structure and function (PolyPhen-2) suggests that this variant is likely to be tolerated. Experimental studies have shown that this missense change affects MC3R function (PMID: 22884546, 25798062). In summary, the available evidence is currently insufficient to determine the role of this variant in disease. Therefore, it has been classified as a Variant of Uncertain Significance.

Literature cited by the submitters: PubMed 19091795 (cited by Labcorp Genetics (formerly Invitae), Labcorp); PubMed 29970488 (cited by Labcorp Genetics (formerly Invitae), Labcorp); PubMed 22884546 (cited by Labcorp Genetics (formerly Invitae), Labcorp); PubMed 25798062 (cited by Labcorp Genetics (formerly Invitae), Labcorp).